The following is an entry in ClinVar:

NC_000006.11:g.(51712769_51720690)_(51777375_51798907)dup

Gene: PKHD1 (PKHD1 ciliary IPT domain containing fibrocystin/polyductin; minus strand). Cytogenetic location: 6p12.3.
Variant type: Duplication.
Identifiers: ClinVar variation 1329061 (VCV001329061.1).

ClinVar aggregate classification (germline): Likely pathogenic (1 of 4 stars; one submission).

Conditions:
Autosomal recessive polycystic kidney disease (ARPKD). Also called: AR polycystic kidney disease. Identifiers: Orphanet 731, Orphanet 8378, MedGen C0085548, MeSH D017044, MONDO:0009889.

Submission:

Women's Health and Genetics/Laboratory Corporation of America, LabCorp
Classification: Likely pathogenic for Autosomal recessive polycystic kidney disease. Last evaluated: 2021-11-02. Review status: criteria provided, single submitter. Criteria: LabCorp Variant Classification Summary - May 2015. Collection method: clinical testing. Allele origin: germline.
Comment: Variant summary: The variant identified by MLPA or other technology involves the duplication of exons 38-49 in the PKHD1 gene. A presumed nomenclature of c.(6121+1_6122-1)_(7911+1_7912-1)dup has been designated for the purposes of this classification. It has been assumed that this is a tandem duplication in direct orientation (Richardson_GIM_2018, Newman_AJHG_2015). Although exact breakpoints of this duplication are not known, it is expected to result in an out-of-frame duplication in the PKHD1 gene. The variant was absent in 21578 control chromosomes (gnomAD database, Structural Variants dataset). The available data on variant occurrences in the general population are insufficient to allow any conclusion about variant significance. To our knowledge, no occurrence of c.(6121+1_6122-1)_(7911+1_7912-1)dup in individuals affected with Polycystic Kidney and Hepatic Disease and no experimental evidence demonstrating its impact on protein function have been reported. One ClinVar submitter (evaluation after 2014) cites the variant as likely pathogenic. Based on the evidence outlined above, the variant was classified as likely pathogenic.